The following is an entry in ClinVar:

ClinVar aggregate classification (germline): Uncertain significance. Review status: criteria provided, multiple submitters, no conflicts (2 of 4 stars). 6 submissions from 6 submitters: Uncertain significance (6). Last evaluated 2026-02-10.

Conditions:
Cardiovascular phenotype. Identifiers: MedGen CN230736.
Catecholaminergic polymorphic ventricular tachycardia (CVPT). Also called: Catecholamine-induced polymorphic ventricular tachycardia. Identifiers: Orphanet 3286, MedGen C5574922, MONDO:0017990.
Cardiomyopathy (CMYO). Also called: Cardiomyopathies. Identifiers: Orphanet 167848, MedGen C0878544, MONDO:0004994, HP:0001638. Inheritance: Various modes of inheritance.
Catecholaminergic polymorphic ventricular tachycardia 1. Also called: RYR2-Related Catecholaminergic Polymorphic Ventricular Tachycardia; VENTRICULAR TACHYCARDIA, CATECHOLAMINERGIC POLYMORPHIC, 1, WITH OR WITHOUT ATRIAL DYSFUNCTION AND/OR DILATED CARDIOMYOPATHY; VENTRICULAR TACHYCARDIA, STRESS-INDUCED POLYMORPHIC 1. Identifiers: Orphanet 3286, MedGen C1631597, MONDO:0011484, OMIM 604772.

Allele frequency attached by ClinVar (database versions not stated): gnomAD exomes 0.00001; ExAC 0.00002; TOPMed 0.00001.
gnomAD v4.1: 6 of 1,611,968 alleles (0.00037%); highest among the groups gnomAD compares: Non-Finnish European, 0.00042%; no homozygotes.

Submissions (6):

GeneDx
Classification: Uncertain significance. Last evaluated: 2026-02-10. Review status: criteria provided, single submitter. Criteria: GeneDx Variant Classification Process June 2021. Collection method: clinical testing. Allele origin: germline.
Comment: Not observed at significant frequency in large population cohorts (gnomAD); Located in one of the three hot-spot regions of the RYR2 gene, where the majority of pathogenic missense variants occur (PMID: 19926015); In silico analysis suggests that this missense variant does not alter protein structure/function; Has not been previously published as pathogenic or benign to our knowledge; This variant is associated with the following publications: (PMID: 19926015)

Labcorp Genetics (formerly Invitae), Labcorp
Classification: Uncertain significance for Catecholaminergic polymorphic ventricular tachycardia 1. Last evaluated: 2024-12-22. Review status: criteria provided, single submitter. Criteria: Invitae Variant Classification Sherloc (09022015). Collection method: clinical testing. Allele origin: germline.
Comment: This sequence change replaces aspartic acid, which is acidic and polar, with tyrosine, which is neutral and polar, at codon 2373 of the RYR2 protein (p.Asp2373Tyr). This variant is present in population databases (rs397516548, gnomAD 0.002%). This variant has not been reported in the literature in individuals affected with RYR2-related conditions. ClinVar contains an entry for this variant (Variation ID: 43822). An algorithm developed to predict the effect of missense changes on protein structure and function (PolyPhen-2) suggests that this variant¬†is likely to be tolerated. In summary, the available evidence is currently insufficient to determine the role of this variant in disease. Therefore, it has been classified as a Variant of Uncertain Significance.

All of Us Research Program, National Institutes of Health
Classification: Uncertain significance for Catecholaminergic polymorphic ventricular tachycardia. Last evaluated: 2024-06-09. Review status: criteria provided, single submitter. Criteria: ACMG Guidelines, 2015. Collection method: clinical testing. Allele origin: germline. Inheritance: Autosomal dominant inheritance. Observed: 8 variant alleles, 8 heterozygotes.
Comment: This missense variant replaces aspartic acid with tyrosine at codon 2373 of the RYR2 protein. Computational prediction tool is inconclusive regarding the impact of this variant on protein structure and function (internally defined REVEL score threshold 0.5 < inconclusive < 0.7, PMID: 27666373). Splice site prediction tools suggest that this variant may not impact RNA splicing. To our knowledge, functional studies have not been performed for this variant. This variant has not been reported in individuals affected with cardiovascular disorders in the literature. This variant has been identified in 2/246646 chromosomes in the general population by the Genome Aggregation Database (gnomAD). The available evidence is insufficient to determine the role of this variant in disease conclusively. Therefore, this variant is classified as a Variant of Uncertain Significance.

This study involves interpretation of variants in research participants for the purpose of population health screening. Participant phenotype was not available at the time of variant classification. Additional details can be found in publication PMID: 35346344, PMCID: PMC8962531

Color Diagnostics, LLC DBA Color Health
Classification: Uncertain significance for Cardiomyopathy. Last evaluated: 2024-02-15. Review status: criteria provided, single submitter. Criteria: ACMG Guidelines, 2015. Collection method: clinical testing. Allele origin: germline.
Comment: This missense variant replaces aspartic acid with tyrosine at codon 2373 of the RYR2 protein. Computational prediction is inconclusive regarding the impact of this variant on protein structure and function. To our knowledge, functional studies have not been reported for this variant. This variant has not been reported in individuals affected with RYR2-related disorders in the literature. This variant has been identified in 2/246646 chromosomes in the general population by the Genome Aggregation Database (gnomAD). The available evidence is insufficient to determine the role of this variant in disease conclusively. Therefore, this variant is classified as a Variant of Uncertain Significance.

Ambry Genetics
Classification: Uncertain significance for Cardiovascular phenotype. Last evaluated: 2022-01-21. Review status: criteria provided, single submitter. Criteria: Ambry Variant Classification Scheme 2023. Collection method: clinical testing. Allele origin: germline.

Laboratory for Molecular Medicine, Mass General Brigham Personalized Medicine
Classification: Uncertain significance. Last evaluated: 2012-03-19. Review status: criteria provided, single submitter. Criteria: LMM Criteria. Collection method: clinical testing. Allele origin: germline. Observed: 1 variant allele.
Comment: The Asp2373Tyr variant in RYR2 has not been reported in the literature nor previ ously identified by our laboratory. Computational analyses (biochemical amino ac id properties, conservation, AlignGVGD, PolyPhen2, and SIFT) do not provide stro ng support for or against an impact to the protein. Additional information is ne eded to fully assess the clinical signficance of this variant.

NM_001035.3(RYR2):c.7117G>T (p.Asp2373Tyr)

Gene: RYR2 (ryanodine receptor 2; plus strand). Cytogenetic location: 1q43.
Variant type: single nucleotide variant.
Coding change: c.7117G>T on transcript NM_001035.3 (MANE Select); coding-DNA position 7117, G replaced by T.
Protein change: p.Asp2373Tyr; replaces aspartic acid 2373 with tyrosine.
Molecular consequence: missense variant.
Genome position (GRCh38, 1-based): chr1:237,640,898, G>T. VCF-style: chr1-237640898-G-T. GRCh37 (hg19) VCF-style: chr1-237804198-G-T.
Other names: short protein forms D2373Y.
Identifiers: ClinVar variation 43822 (VCV000043822.17), dbSNP rs397516548, ClinGen allele CA010545.